The following is an entry in ClinVar:

ClinVar aggregate classification (germline): Likely benign (0 of 4 stars; one submission).

Conditions:
SS18L1-related disorder. Also called: SS18L1-related condition.

Allele frequency attached by ClinVar (database versions not stated): 1000 Genomes Project 30x 0.00172; 1000 Genomes Project 0.00180; ESP Exome Variant Server 0.00182; gnomAD 0.00220; TOPMed 0.00233; ExAC 0.00271; gnomAD exomes 0.00353.
gnomAD v4.1: 5,215 of 1,549,708 alleles (0.34%); highest among the groups gnomAD compares: Non-Finnish European, 0.41%; 15 homozygotes.

Submission:

PreventionGenetics, part of Exact Sciences
Classification: Likely benign for SS18L1-related condition. Last evaluated: 2019-03-05. Review status: no assertion criteria provided. Collection method: clinical testing. Allele origin: germline.
Comment: This variant is classified as likely benign based on ACMG/AMP sequence variant interpretation guidelines (Richards et al. 2015 PMID: 25741868, with internal and published modifications).

NM_198935.3(SS18L1):c.792G>A (p.Ala264=)

Gene: SS18L1 (SS18L1 subunit of BAF chromatin remodeling complex; plus strand). Cytogenetic location: 20q13.33.
Variant type: single nucleotide variant.
Coding change: c.792G>A on transcript NM_198935.3 (MANE Select); coding-DNA position 792, G replaced by A.
Protein change: p.Ala264=; no amino-acid change (alanine 264 retained).
Molecular consequence: synonymous variant. On other transcripts: non-coding transcript variant (2).
Genome position (GRCh38, 1-based): chr20:62,164,215, G>A. VCF-style: chr20-62164215-G-A. GRCh37 (hg19) VCF-style: chr20-60739271-G-A.
Other names: c.399G>A, p.Ala133= (NM_001301778.2).
Identifiers: ClinVar variation 3041602 (VCV003041602.2), dbSNP rs35943394, ClinGen allele CA9937261.